The following is an entry in ClinVar:

NM_000088.4(COL1A1):c.298+5G>T

Gene: COL1A1 (collagen type I alpha 1 chain; minus strand). Cytogenetic location: 17q21.33.
Variant type: single nucleotide variant.
Coding change: c.298+5G>T on transcript NM_000088.4 (MANE Select); 5 bases into the intron after coding-DNA position 298, G replaced by T.
Molecular consequence: intron variant.
Genome position (GRCh38, 1-based): chr17:50,199,748, C>A on the plus strand (G>T on the coding strand, the complement: COL1A1 is on the minus strand). VCF-style: chr17-50199748-C-A. GRCh37 (hg19) VCF-style: chr17-48277109-C-A.
Identifiers: ClinVar variation 1304646 (VCV001304646.2), dbSNP rs757231152, ClinGen allele CA8645791.

ClinVar aggregate classification (germline): Uncertain significance (1 of 4 stars; one submission).

Allele frequency attached by ClinVar (database versions not stated): gnomAD 0.00001.
gnomAD v4.1: 3 of 1,610,860 alleles (0.00019%); highest among the groups gnomAD compares: African/African-American, 0.004%; no homozygotes.

Submission:

GeneDx
Classification: Uncertain significance. Last evaluated: 2021-01-04. Review status: criteria provided, single submitter. Criteria: GeneDx Variant Classification Process June 2021. Collection method: clinical testing. Allele origin: germline. Affected: yes.
Comment: Not observed at a significant frequency in large population cohorts (Lek et al., 2016); In silico analysis supports a deleterious effect on splicing; Has not been previously published as pathogenic or benign to our knowledge